The following is an entry in ClinVar:

NM_001204.7(BMPR2):c.1157A>G (p.Glu386Gly)

Gene: BMPR2 (bone morphogenetic protein receptor type 2; plus strand). Cytogenetic location: 2q33.2.
Variant type: single nucleotide variant.
Coding change: c.1157A>G on transcript NM_001204.7 (MANE Select); coding-DNA position 1157, A replaced by G.
Protein change: p.Glu386Gly; replaces glutamic acid 386 with glycine.
Molecular consequence: missense variant.
Genome position (GRCh38, 1-based): chr2:202,532,613, A>G. VCF-style: chr2-202532613-A-G. GRCh37 (hg19) VCF-style: chr2-203397336-A-G.
Other names: NM_001204.7(BMPR2):c.1157A>G; p.Glu386Gly; c.1157A>G (LRG_712t1); short protein forms E386G.
Identifiers: ClinVar variation 425886 (VCV000425886.2), dbSNP rs1085307307, ClinGen allele CA350341740.

ClinVar aggregate classification (germline): Likely pathogenic. Review status: reviewed by expert panel (3 of 4 stars). 2 submissions from 2 submitters: Likely pathogenic (1). 1 of the submissions does not count toward it. Last evaluated 2024-11-06.

Conditions:
Pulmonary arterial hypertension. Identifiers: Orphanet 182090, MedGen C2973725, MeSH D000081029, MONDO:0015924, HP:0002092.
Pulmonary hypertension, primary, 1 (PPH1). Also called: Pulmonary hypertension, familial primary, 1, with or without HHT. Identifiers: Orphanet 422, MedGen C4552070, MONDO:0024533, OMIM 178600.

Submissions (2):

Clingen Pulmonary Hypertension Variant Curation Expert Panel, ClinGen
Classification: Likely pathogenic for Pulmonary arterial hypertension. Last evaluated: 2024-11-06. Review status: reviewed by expert panel. Criteria: ClinGen PH ACMG Specifications BMPR2 V1.1.0. Collection method: curation. Allele origin: germline. Inheritance: Autosomal dominant inheritance.
Comment: The NM_001204.7(BMPR2):c.1157A>G (p.Glu386Gly) variant is harboured in exon 9 of the BMPR2 gene, encoding the functionally relevant catalytic kinase domain and impacts an amino acid indispensable to kinase structure and function (PM1_strong). The variant has been reported once in an IPAH subject (PMID: 21801371). The variant is absent from gnomAD v2.1.1 (controls) and v4.1.0 (PM2_supporting). The REVEL prediction algorithm score is 0.993, AlphaMissense is 0.9902 indicating pathogenicity (PP3_met). PS2 was not assessed due to lack of paternity data. Functional studies have not been conducted for this variant (PS3 not assessed). Four additional likely pathogenic variants (p.Glu386Ala, p.Glu386Gln, p.Glu386Lys, p.Glu386Val) have been reported at the same position (PMID: 26387786) (PM5_supporting). In summary, this variant meets the criteria to be classified as likely pathogenic for pulmonary arterial hypertension based on the ACMG/AMP criteria applied, as specified by the ClinGen Pulmonary Hypertension VCEP: PM1_strong, PM2_supporting, PP3, PM5_supporting (VCEP specification version 1.1.0, 1/18/2024).

Rare Disease Genomics Group, St George's University of London
Classification: Pathogenic for Primary pulmonary hypertension. Review status: no assertion criteria provided. Collection method: literature only. Allele origin: germline. Affected: yes. Not counted in ClinVar's aggregate classification.

Literature cited by the submitters: PubMed 34400635 (cited by Clingen Pulmonary Hypertension Variant Curation Expert Panel, ClinGen); PubMed 21801371 (cited by Rare Disease Genomics Group, St George's University of London).